The following is an entry in ClinVar:

ClinVar aggregate classification (germline): Likely benign (1 of 4 stars; one submission).

Allele frequency attached by ClinVar (database versions not stated): gnomAD exomes below 0.00001.
gnomAD v4.1: 2 of 1,211,546 alleles (0.00017%); highest among the groups gnomAD compares: Middle Eastern, 0.023%; no homozygotes.

Submission:

CeGaT Center for Human Genetics Tuebingen
Classification: Likely benign. Last evaluated: 2022-07-01. Review status: criteria provided, single submitter. Criteria: CeGaT Center For Human Genetics Tuebingen Variant Classification Criteria Version 2. Collection method: clinical testing. Allele origin: germline. Affected: yes. Observed: 1 variant allele.
Comment: ARMCX5-GPRASP2: PM2:Supporting, BP4, BP7; GPRASP3: PM2:Supporting, BP4, BP7

NM_001142524.2(GPRASP3):c.294C>T (p.Ser98=)

Genes: ARMCX5-GPRASP2 (ARMCX5-GPRASP2 readthrough; plus strand), GPRASP3 (G protein-coupled receptor associated sorting protein family member 3; plus strand). Cytogenetic location: Xq22.1.
Variant type: single nucleotide variant.
Coding change: c.294C>T on transcript NM_001142524.2 (MANE Select); coding-DNA position 294, C replaced by T.
Protein change: p.Ser98=; no amino-acid change (serine 98 retained).
Molecular consequence: synonymous variant.
Genome position (GRCh38, 1-based): chrX:102,749,289, C>T. VCF-style: chrX-102749289-C-T. GRCh37 (hg19) VCF-style: chrX-102004217-C-T.
Other names: c.294C>T, p.Ser98= (NM_001350268.2, NM_001350269.2, NM_001350270.1 and 7 more transcripts).
Identifiers: ClinVar variation 2661086 (VCV002661086.24), dbSNP rs2521891513, ClinGen allele CA518087172.